The following is an entry in ClinVar:

NM_002133.3(HMOX1):c.484G>A (p.Glu162Lys)

Gene: HMOX1 (heme oxygenase 1; plus strand). Cytogenetic location: 22q12.3.
Variant type: single nucleotide variant.
Coding change: c.484G>A on transcript NM_002133.3 (MANE Select); coding-DNA position 484, G replaced by A.
Protein change: p.Glu162Lys; replaces glutamic acid 162 with lysine.
Molecular consequence: missense variant.
Genome position (GRCh38, 1-based): chr22:35,387,024, G>A. VCF-style: chr22-35387024-G-A. GRCh37 (hg19) VCF-style: chr22-35783017-G-A.
Other names: c.484G>A (NM_002133.2); short protein forms E162K.
Identifiers: ClinVar variation 1429623 (VCV001429623.7), dbSNP rs760594009, ClinGen allele CA10204733.

ClinVar aggregate classification (germline): Uncertain significance. Review status: criteria provided, multiple submitters, no conflicts (2 of 4 stars). 2 submissions from 2 submitters: Uncertain significance (2). Last evaluated 2025-02-03.

Allele frequency attached by ClinVar (database versions not stated): gnomAD exomes 0.00002 and 0.00009; ExAC 0.00007.
gnomAD v4.1: 35 of 1,613,656 alleles (0.0022%); highest among the groups gnomAD compares: Admixed American, 0.043%; no homozygotes.

Submissions (2):

Labcorp Genetics (formerly Invitae), Labcorp
Classification: Uncertain significance. Last evaluated: 2025-02-03. Review status: criteria provided, single submitter. Criteria: Invitae Variant Classification Sherloc (09022015). Collection method: clinical testing. Allele origin: germline.
Comment: This sequence change replaces glutamic acid, which is acidic and polar, with lysine, which is basic and polar, at codon 162 of the HMOX1 protein (p.Glu162Lys). This variant is present in population databases (rs760594009, gnomAD 0.06%). This variant has not been reported in the literature in individuals affected with HMOX1-related conditions. ClinVar contains an entry for this variant (Variation ID: 1429623). An algorithm developed to predict the effect of missense changes on protein structure and function (PolyPhen-2) suggests that this variant is likely to be disruptive. In summary, the available evidence is currently insufficient to determine the role of this variant in disease. Therefore, it has been classified as a Variant of Uncertain Significance.

GeneDx
Classification: Uncertain significance. Last evaluated: 2023-12-11. Review status: criteria provided, single submitter. Criteria: GeneDx Variant Classification Process June 2021. Collection method: clinical testing. Allele origin: germline. Affected: yes.
Comment: Has not been previously published as pathogenic or benign to our knowledge; In silico analysis supports that this missense variant has a deleterious effect on protein structure/function